The following is an entry in ClinVar:

NM_000051.4(ATM):c.4777-15C>T

Gene: ATM (ATM serine/threonine kinase; plus strand). Cytogenetic location: 11q22.3.
Variant type: single nucleotide variant.
Coding change: c.4777-15C>T on transcript NM_000051.4 (MANE Select); 15 bases into the intron before coding-DNA position 4777, C replaced by T.
Molecular consequence: intron variant.
Genome position (GRCh38, 1-based): chr11:108,294,912, C>T. VCF-style: chr11-108294912-C-T. GRCh37 (hg19) VCF-style: chr11-108165639-C-T.
Other names: c.4777-15C>T (NM_001351834.2).
Identifiers: ClinVar variation 381345 (VCV000381345.8), dbSNP rs1057521023, ClinGen allele CA16605794.

ClinVar aggregate classification (germline): Likely benign. Review status: criteria provided, multiple submitters, no conflicts (2 of 4 stars). 4 submissions from 4 submitters: Likely benign (4). Last evaluated 2026-01-20.

Conditions:
Hereditary cancer-predisposing syndrome. Also called: Hereditary neoplastic syndrome; Tumor predisposition; Neoplastic Syndromes, Hereditary; Hereditary Cancer Syndrome. Identifiers: Orphanet 140162, MedGen C0027672, MeSH D009386, MONDO:0015356.
Familial cancer of breast. Also called: Hereditary breast cancer; BREAST CANCER, FAMILIAL; hereditary breast carcinoma. Identifiers: Orphanet 227535, MedGen C0346153, MONDO:0016419, OMIM 114480. Disease mechanism: loss of function.
Ataxia-telangiectasia syndrome (AT). Also called: LOUIS-BAR SYNDROME; ATAXIA-TELANGIECTASIA, COMPLEMENTATION GROUP A; ATAXIA-TELANGIECTASIA, FRESNO VARIANT; Ataxia-telangiectasia; Ataxia telangiectasia (A-T); Cerebello-oculocutaneous telangiectasia. Identifiers: Orphanet 100, MedGen C0004135, MONDO:0008840, OMIM 208900.

Allele frequency attached by ClinVar (database versions not stated): gnomAD exomes below 0.00001; gnomAD 0.00001.
gnomAD v4.1: 7 of 1,613,044 alleles (0.00043%); highest among the groups gnomAD compares: African/African-American, 0.0013%; no homozygotes.

Submissions (4):

Labcorp Genetics (formerly Invitae), Labcorp
Classification: Likely benign for Ataxia-telangiectasia syndrome. Last evaluated: 2026-01-20. Review status: criteria provided, single submitter. Criteria: Invitae Variant Classification Sherloc (09022015). Collection method: clinical testing. Allele origin: germline.

Myriad Genetics, Inc.
Classification: Likely benign for Familial cancer of breast. Last evaluated: 2024-05-21. Review status: criteria provided, single submitter. Criteria: Myriad Autosomal Dominant, Autosomal Recessive and X-Linked Classification Criteria (2023). Collection method: clinical testing. Allele origin: unknown.
Comment: This variant is considered likely benign. This variant is intronic and is not expected to impact mRNA splicing.

Color Diagnostics, LLC DBA Color Health
Classification: Likely benign for Hereditary cancer-predisposing syndrome. Last evaluated: 2019-01-30. Review status: criteria provided, single submitter. Criteria: ACMG Guidelines, 2015. Collection method: clinical testing. Allele origin: germline.

GeneDx
Classification: Likely benign. Last evaluated: 2016-06-02. Review status: criteria provided, single submitter. Criteria: GeneDx Variant Classification (06012015). Collection method: clinical testing. Allele origin: germline. Affected: yes.
Comment: This variant is considered likely benign or benign based on one or more of the following criteria: it is a conservative change, it occurs at a poorly conserved position in the protein, it is predicted to be benign by multiple in silico algorithms, and/or has population frequency not consistent with disease.